The following is an entry in ClinVar:

ClinVar aggregate classification (germline): Benign/Likely benign. Review status: criteria provided, multiple submitters, no conflicts (2 of 4 stars). 2 submissions from 2 submitters: Benign (1); Likely benign (1). Last evaluated 2026-07-01.

Allele frequency attached by ClinVar (database versions not stated): 1000 Genomes Project 30x 0.00265; gnomAD exomes 0.00106; gnomAD 0.00171; TOPMed 0.00230.
gnomAD v4.1: 1,520 of 1,236,432 alleles (0.12%); highest among the groups gnomAD compares: Middle Eastern, 0.82%; 9 homozygotes.

Submissions (2):

CeGaT Center for Human Genetics Tuebingen
Classification: Benign. Last evaluated: 2026-07-01. Review status: criteria provided, single submitter. Criteria: CeGaT Center For Human Genetics Tuebingen Variant Classification Criteria Version 2. Collection method: clinical testing. Allele origin: germline. Affected: yes. Observed: 5 variant alleles.
Comment: HTT: BS1, BS2

Blueprint Genetics
Classification: Likely benign. Last evaluated: 2024-11-26. Review status: criteria provided, single submitter. Criteria: ACMG Guidelines, 2015. Collection method: clinical testing. Allele origin: germline.

NM_001388492.1(HTT):c.257A>C (p.His86Pro)

Genes: HTT (huntingtin; plus strand), LOC129992103 (ATAC-STARR-seq lymphoblastoid silent region 15200; plus strand). Cytogenetic location: 4p16.3.
Variant type: single nucleotide variant.
Coding change: c.257A>C on transcript NM_001388492.1 (MANE Select); coding-DNA position 257, A replaced by C.
Protein change: p.His86Pro; replaces histidine 86 with proline.
Molecular consequence: missense variant.
Genome position (GRCh38, 1-based): chr4:3,075,082, A>C. VCF-style: chr4-3075082-A-C. GRCh37 (hg19) VCF-style: chr4-3076809-A-C.
Other names: c.263A>C, p.His88Pro (NM_002111.8); short protein forms H86P, H88P.
Identifiers: ClinVar variation 2654594 (VCV002654594.25), dbSNP rs868348450, ClinGen allele CA91430578.